The following is an entry in ClinVar:

NM_025000.4(DCAF17):c.1502_1503del (p.Tyr501fs)

Gene: DCAF17 (DDB1 and CUL4 associated factor 17; plus strand). Cytogenetic location: 2q31.1.
Variant type: Deletion.
Coding change: c.1502_1503del on transcript NM_025000.4 (MANE Select); coding-DNA positions 1502 to 1503, 2 bases deleted (AT; older notation c.1502_1503delAT).
Protein change: p.Tyr501fs; shifts the reading frame from tyrosine 501.
Molecular consequence: frameshift variant. On other transcripts: non-coding transcript variant (1).
Genome position (GRCh38, 1-based): chr2:171,481,053-171,481,054, AT deleted; deleting any 2 consecutive bases within chr2:171,481,052-171,481,054 gives the same sequence; the c. name uses the placement nearest the transcript's 3' end. VCF-style (leftmost placement, unchanged base first): chr2-171481051-CTA-C. GRCh37 (hg19) VCF-style: chr2-172337561-CTA-C.
Other names: c.1301_1302del, p.Tyr434fs (NM_001164821.2); short protein forms Y501fs, Y434fs.
Identifiers: ClinVar variation 4998641 (VCV004998641.1).

ClinVar aggregate classification (germline): Uncertain significance (1 of 4 stars; one submission).

Conditions:
DCAF17-related disorder. Also called: DCAF17-related condition.

Submission:

PreventionGenetics, part of Exact Sciences
Classification: Uncertain significance for DCAF17-related condition. Last evaluated: 2025-06-20. Review status: criteria provided, single submitter. Criteria: ACMG Guidelines, 2015. Collection method: clinical testing. Allele origin: germline.
Comment: The DCAF17 c.1502_1503delAT variant is predicted to result in a frameshift and premature protein termination (p.Tyr501Cysfs*7). To our knowledge, this variant has not been reported in the literature. This variant is reported in 0.064% of alleles in individuals of East Asian descent in gnomAD. This variant resides in the final exon of this gene, and it is unclear if the resulting mRNA would undergo nonsense-mediated decay; however, a nearby variant (c.1488_1489delAG in Zhou et al. 2021. PubMed ID: 35002959) has been reported in an individual with Woodhouse-Sakati Syndrome. Although we suspect that this variant may be pathogenic, at this time, the clinical significance of this variant is uncertain due to the absence of conclusive functional and genetic evidence.